The following is an entry in ClinVar:

ClinVar aggregate classification (germline): Uncertain significance (1 of 4 stars; one submission).

Conditions:
Retinoblastoma (RB1). Also called: RETINOBLASTOMA, SOMATIC. Identifiers: Orphanet 790, MedGen C0035335, MeSH D012175, MONDO:0008380, OMIM 180200, HP:0009919. Disease mechanism: loss of function. Inheritance: Both sporadic and heritable forms are tested..

Submission:

Labcorp Genetics (formerly Invitae), Labcorp
Classification: Uncertain significance for Retinoblastoma. Last evaluated: 2025-12-31. Review status: criteria provided, single submitter. Criteria: Invitae Variant Classification Sherloc (09022015). Collection method: clinical testing. Allele origin: germline.
Comment: This variant occurs in a non-coding region of the RB1 gene. It does not change the encoded amino acid sequence of the RB1 protein. This variant is not present in population databases (gnomAD no frequency). This variant has not been reported in the literature in individuals affected with RB1-related conditions. ClinVar contains an entry for this variant (Variation ID: 3673239). Experimental studies and prediction algorithms are not available or were not evaluated, and the functional significance of this variant is currently unknown. In summary, the available evidence is currently insufficient to determine the role of this variant in disease. Therefore, it has been classified as a Variant of Uncertain Significance.

NM_000321.3(RB1):c.-75_-60del

Gene: RB1 (RB transcriptional corepressor 1; plus strand). Cytogenetic location: 13q14.2.
Variant type: Deletion.
Coding change: c.-75_-60del on transcript NM_000321.3 (MANE Select); 75 bases upstream of the start codon through 60 bases upstream of the start codon, 16 bases deleted (TGCCCCGACGTGCGCG).
Molecular consequence: 5 prime UTR variant.
Genome position (GRCh38, 1-based): chr13:48,303,838-48,303,853, TGCCCCGACGTGCGCG deleted; deleting any 16 consecutive bases within chr13:48,303,835-48,303,853 gives the same sequence; the c. name uses the placement nearest the transcript's 3' end. VCF-style (leftmost placement, unchanged base first): chr13-48303834-GGCGTGCCCCGACGTGC-G. GRCh37 (hg19) VCF-style: chr13-48877970-GGCGTGCCCCGACGTGC-G.
Other names: c.-75_-60del (NM_001407165.1, NM_001407166.1, NM_001407167.1).
Identifiers: ClinVar variation 3673239 (VCV003673239.2).
Genomic context (GRCh38, chr13:48,303,834, plus strand): 5'-GTCCGGTTTTTCTCAGGGGACGTTGAAATTATTTTTGTAACGGGAGTCGGGAGAGGACGG[GGCGTGCCCCGACGTGC>G]GCGCGCGTCGTCCTCCCCGGCGCTCCTCCACAGCTCGCTGGCTCCCGCCGCGGAAAGGCG-3'